The following is an entry in ClinVar:

NM_001199397.3(NEK1):c.3311A>G (p.Asn1104Ser)

Gene: NEK1 (NIMA related kinase 1; minus strand). Cytogenetic location: 4q33.
Variant type: single nucleotide variant.
Coding change: c.3311A>G on transcript NM_001199397.3 (MANE Select); coding-DNA position 3311, A replaced by G.
Protein change: p.Asn1104Ser; replaces asparagine 1104 with serine.
Molecular consequence: missense variant. On other transcripts: non-coding transcript variant (1).
Genome position (GRCh38, 1-based): chr4:169,406,659, T>C on the plus strand (A>G on the coding strand, the complement: NEK1 is on the minus strand). VCF-style: chr4-169406659-T-C. GRCh37 (hg19) VCF-style: chr4-170327810-T-C.
Other names: c.3227A>G, p.Asn1076Ser (NM_001374419.1, NM_012224.4); c.3176A>G, p.Asn1059Ser (NM_001374420.1); c.2828A>G, p.Asn943Ser (NM_001374421.1); c.3179A>G, p.Asn1060Ser (NM_001199398.3); c.3020A>G, p.Asn1007Ser (NM_001199399.3); c.3095A>G, p.Asn1032Ser (NM_001199400.3); c.3311A>G, p.Asn1104Ser (NM_001374418.1); short protein forms N1007S, N1104S, N943S, N1032S, N1076S, N1059S, N1060S.
Identifiers: ClinVar variation 1916911 (VCV001916911.6), dbSNP rs748870177, ClinGen allele CA3137180.

ClinVar aggregate classification (germline): Conflicting classifications of pathogenicity. Review status: criteria provided, conflicting classifications (1 of 4 stars). 2 submissions from 2 submitters: Uncertain significance (1); Likely benign (1). Last evaluated 2024-09-16.

Conditions:
Short-rib thoracic dysplasia 6 with or without polydactyly (SRTD6). Also called: SHORT RIB-POLYDACTYLY SYNDROME, TYPE IIA; POLYDACTYLY WITH NEONATAL CHONDRODYSTROPHY, TYPE II; SHORT-RIB THORACIC DYSPLASIA 6 WITH POLYDACTYLY; SHORT-RIB THORACIC DYSPLASIA 6 WITHOUT POLYDACTYLY; Majewski Syndrome. Identifiers: MedGen C0024507, MONDO:0009894, OMIM 263520.

Allele frequency attached by ClinVar (database versions not stated): ExAC 0.00001.
gnomAD v4.1: 9 of 1,608,458 alleles (0.00056%); highest among the groups gnomAD compares: Middle Eastern, 0.033%; no homozygotes.

Submissions (2):

Labcorp Genetics (formerly Invitae), Labcorp
Classification: Uncertain significance for Short-rib thoracic dysplasia 6 with or without polydactyly. Last evaluated: 2024-09-16. Review status: criteria provided, single submitter. Criteria: Invitae Variant Classification Sherloc (09022015). Collection method: clinical testing. Allele origin: germline.
Comment: This sequence change replaces asparagine, which is neutral and polar, with serine, which is neutral and polar, at codon 1076 of the NEK1 protein (p.Asn1076Ser). This variant is present in population databases (rs748870177, gnomAD 0.006%). This variant has not been reported in the literature in individuals affected with NEK1-related conditions. Invitae Evidence Modeling of protein sequence and biophysical properties (such as structural, functional, and spatial information, amino acid conservation, physicochemical variation, residue mobility, and thermodynamic stability) indicates that this missense variant is not expected to disrupt NEK1 protein function with a negative predictive value of 80%. In summary, the available evidence is currently insufficient to determine the role of this variant in disease. Therefore, it has been classified as a Variant of Uncertain Significance.

Blueprint Genetics
Classification: Likely benign. Last evaluated: 2021-06-08. Review status: criteria provided, single submitter. Criteria: ACMG Guidelines, 2015. Collection method: clinical testing. Allele origin: germline.